The following is an entry in ClinVar:

NM_000126.4(ETFA):c.393G>A (p.Pro131=)

Gene: ETFA (electron transfer flavoprotein subunit alpha; minus strand). Cytogenetic location: 15q24.2.
Variant type: single nucleotide variant.
Coding change: c.393G>A on transcript NM_000126.4 (MANE Select); coding-DNA position 393, G replaced by A.
Protein change: p.Pro131=; no amino-acid change (proline 131 retained).
Molecular consequence: synonymous variant.
Genome position (GRCh38, 1-based): chr15:76,287,904, C>T on the plus strand (G>A on the coding strand, the complement: ETFA is on the minus strand). VCF-style: chr15-76287904-C-T. GRCh37 (hg19) VCF-style: chr15-76580245-C-T.
Other names: c.246G>A, p.Pro82= (NM_001127716.2).
Identifiers: ClinVar variation 1097505 (VCV001097505.22), dbSNP rs769299291, ClinGen allele CA7673771.

ClinVar aggregate classification (germline): Likely benign. Review status: criteria provided, multiple submitters, no conflicts (2 of 4 stars). 3 submissions from 3 submitters: Likely benign (3). Last evaluated 2026-01-05.

Conditions:
Multiple acyl-CoA dehydrogenase deficiency (MADD). Also called: Glutaric acidemia type II; GA 2; Glutaric aciduria, type 2; ETHYLMALONIC-ADIPICACIDURIA; GA II; Glutaric Acidemia type 2. Identifiers: Orphanet 26791, MedGen C0268596, MONDO:0009282, OMIM 231680.

Allele frequency attached by ClinVar (database versions not stated): gnomAD 0.00001; gnomAD exomes 0.00002 and 0.00006; TOPMed 0.00004; ExAC 0.00006.

Submissions (3):

Labcorp Genetics (formerly Invitae), Labcorp
Classification: Likely benign for Multiple acyl-CoA dehydrogenase deficiency. Last evaluated: 2026-01-05. Review status: criteria provided, single submitter. Criteria: Invitae Variant Classification Sherloc (09022015). Collection method: clinical testing. Allele origin: germline.

CeGaT Center for Human Genetics Tuebingen
Classification: Likely benign. Last evaluated: 2025-05-01. Review status: criteria provided, single submitter. Criteria: CeGaT Center For Human Genetics Tuebingen Variant Classification Criteria Version 2. Collection method: clinical testing. Allele origin: germline. Affected: yes. Observed: 1 variant allele.
Comment: ETFA: BP4, BP7

Blueprint Genetics
Classification: Likely benign. Last evaluated: 2024-07-09. Review status: criteria provided, single submitter. Criteria: ACMG Guidelines, 2015. Collection method: clinical testing. Allele origin: germline.